The following is an entry in ClinVar:

ClinVar aggregate classification (germline): Uncertain significance (1 of 4 stars; one submission).

Conditions:
Cenani-Lenz syndactyly syndrome. Also called: CENANI SYNDACTYLISM; SYNDACTYLY, TYPE VII. Identifiers: Orphanet 3258, MedGen C1859309, MONDO:0008931, OMIM 212780.
Sclerosteosis 2 (SOST2). Identifiers: Orphanet 3152, MedGen C3280402, MONDO:0013679, OMIM 614305.
Congenital myasthenic syndrome 17. Identifiers: Orphanet 590, MedGen C4225377, MONDO:0014578, OMIM 616304.

Submission:

Labcorp Genetics (formerly Invitae), Labcorp
Classification: Uncertain significance for Cenani-Lenz syndactyly syndrome; Sclerosteosis 2; Congenital myasthenic syndrome 17. Last evaluated: 2021-01-20. Review status: criteria provided, single submitter. Criteria: Invitae Variant Classification Sherloc (09022015). Collection method: clinical testing. Allele origin: germline.
Comment: Algorithms developed to predict the effect of missense changes on protein structure and function are either unavailable or do not agree on the potential impact of this missense change (SIFT: "Deleterious"; PolyPhen-2: "Probably Damaging"; Align-GVGD: "Class C0"). In summary, the available evidence is currently insufficient to determine the role of this variant in disease. Therefore, it has been classified as a Variant of Uncertain Significance. This variant has not been reported in the literature in individuals with LRP4-related conditions. This variant is not present in population databases (ExAC no frequency). This sequence change replaces serine with isoleucine at codon 512 of the LRP4 protein (p.Ser512Ile). The serine residue is highly conserved and there is a large physicochemical difference between serine and isoleucine.

NM_002334.4(LRP4):c.1535G>T (p.Ser512Ile)

Gene: LRP4 (LDL receptor related protein 4; minus strand). Cytogenetic location: 11p11.2.
Variant type: single nucleotide variant.
Coding change: c.1535G>T on transcript NM_002334.4 (MANE Select); coding-DNA position 1535, G replaced by T.
Protein change: p.Ser512Ile; replaces serine 512 with isoleucine.
Molecular consequence: missense variant.
Genome position (GRCh38, 1-based): chr11:46,894,594, C>A on the plus strand (G>T on the coding strand, the complement: LRP4 is on the minus strand). VCF-style: chr11-46894594-C-A. GRCh37 (hg19) VCF-style: chr11-46916145-C-A.
Other names: short protein forms S512I.
Identifiers: ClinVar variation 1404636 (VCV001404636.8), dbSNP rs769948678, ClinGen allele CA380284936.